The following is an entry in ClinVar:

NM_001195263.2(PDZD7):c.539C>T (p.Thr180Met)

Gene: PDZD7 (PDZ domain containing 7; minus strand). Cytogenetic location: 10q24.31.
Variant type: single nucleotide variant.
Coding change: c.539C>T on transcript NM_001195263.2 (MANE Select); coding-DNA position 539, C replaced by T.
Protein change: p.Thr180Met; replaces threonine 180 with methionine.
Molecular consequence: missense variant.
Genome position (GRCh38, 1-based): chr10:101,023,439, G>A on the plus strand (C>T on the coding strand, the complement: PDZD7 is on the minus strand). VCF-style: chr10-101023439-G-A. GRCh37 (hg19) VCF-style: chr10-102783196-G-A.
Other names: c.539C>T, p.Thr180Met (NM_001351044.2, NM_024895.5); short protein forms T180M.
Identifiers: ClinVar variation 841936 (VCV000841936.13), dbSNP rs372004783, ClinGen allele CA5654358.

ClinVar aggregate classification (germline): Uncertain significance. Review status: criteria provided, multiple submitters, no conflicts (2 of 4 stars). 3 submissions from 3 submitters: Uncertain significance (3). Last evaluated 2026-01-05.

Allele frequency attached by ClinVar (database versions not stated): gnomAD 0.00009; gnomAD exomes 0.00012; ExAC 0.00013; TOPMed 0.00013; ESP Exome Variant Server 0.00023.
gnomAD v4.1: 375 of 1,613,962 alleles (0.023%); highest among the groups gnomAD compares: Non-Finnish European, 0.03%; no homozygotes.

Submissions (3):

Labcorp Genetics (formerly Invitae), Labcorp
Classification: Uncertain significance. Last evaluated: 2026-01-05. Review status: criteria provided, single submitter. Criteria: Invitae Variant Classification Sherloc (09022015). Collection method: clinical testing. Allele origin: germline.
Comment: This sequence change replaces threonine, which is neutral and polar, with methionine, which is neutral and non-polar, at codon 180 of the PDZD7 protein (p.Thr180Met). This variant is present in population databases (rs372004783, gnomAD 0.02%). This variant has not been reported in the literature in individuals affected with PDZD7-related conditions. ClinVar contains an entry for this variant (Variation ID: 841936). Invitae Evidence Modeling of protein sequence and biophysical properties (such as structural, functional, and spatial information, amino acid conservation, physicochemical variation, residue mobility, and thermodynamic stability) indicates that this missense variant is not expected to disrupt PDZD7 protein function with a negative predictive value of 80%. In summary, the available evidence is currently insufficient to determine the role of this variant in disease. Therefore, it has been classified as a Variant of Uncertain Significance.

GeneDx
Classification: Uncertain significance. Last evaluated: 2025-03-17. Review status: criteria provided, single submitter. Criteria: GeneDx Variant Classification Process June 2021. Collection method: clinical testing. Allele origin: germline. Affected: yes.
Comment: In silico analysis supports that this missense variant has a deleterious effect on protein structure/function; Has not been previously published as pathogenic or benign to our knowledge

Blueprint Genetics
Classification: Uncertain significance. Last evaluated: 2024-10-24. Review status: criteria provided, single submitter. Criteria: ACMG Guidelines, 2015. Collection method: clinical testing. Allele origin: germline.